The following is an entry in ClinVar:

ClinVar aggregate classification (germline): Pathogenic/Likely pathogenic. Review status: criteria provided, multiple submitters, no conflicts (2 of 4 stars). 24 submissions from 24 submitters: Pathogenic (7); Likely pathogenic (13). 4 of the submissions do not count toward it. Last evaluated 2026-08-05.

Conditions:
TNNI3-related disorder. Also called: TNNI3-related condition; TNNI3-related disorders.
Cardiovascular phenotype. Identifiers: MedGen CN230736.
Cardiomyopathy (CMYO). Also called: Cardiomyopathies. Identifiers: Orphanet 167848, MedGen C0878544, MONDO:0004994, HP:0001638. Inheritance: Various modes of inheritance.
Hypertrophic cardiomyopathy 7. Also called: CARDIOMYOPATHY, FAMILIAL HYPERTROPHIC, 7, MODIFIER OF; TNNI3-Related Familial Hypertrophic Cardiomyopathy; Familial hypertrophic cardiomyopathy 7. Identifiers: MedGen C1860752, MONDO:0013369, OMIM 613690.
Hypertrophic cardiomyopathy. Also called: HYPERTROPHIC MYOCARDIOPATHY. Identifiers: Orphanet 217569, MedGen C0007194, MeSH D002312, MONDO:0005045, HP:0001639.

Allele frequency attached by ClinVar (database versions not stated): ExAC 0.00001; gnomAD exomes 0.00001; TOPMed 0.00001.
gnomAD v4.1: 8 of 1,612,566 alleles (0.0005%); highest among the groups gnomAD compares: African/African-American, 0.0013%; no homozygotes.

Submissions 1 to 9 of 24:

PreventionGenetics, part of Exact Sciences
Classification: Likely pathogenic for TNNI3-related condition. Last evaluated: 2026-08-05. Review status: criteria provided, single submitter. Criteria: ACMG Guidelines, 2015. Collection method: clinical testing. Allele origin: germline.
Comment: The TNNI3 c.497C>T variant is predicted to result in the amino acid substitution p.Ser166Phe. This variant has been observed in only 2 out of 249,054 alleles in a large population database (gnomAD) and interpreted as likely pathogenic or pathogenic in ClinVar (Variation ID: 177630). This variant has been reported in multiple unrelated individuals with hypertrophic cardiomyopathy (HCM) (Mogensen et al. 2004. PubMed ID: 15607392; van den Wijngaard et al. 2011. PubMed ID: 21533915; Maron et al. 2012. PubMed ID: 21839045; Kapplinger et al. 2014. PubMed ID: 24510615; Walsh et al. 2017. PubMed ID: 27532257). However, this variant has been observed in combination with a pathogenic variant in MYBPC3 (Maron et al. 2012. PubMed ID: 21839045). Functional studies show the p.Ser166Phe increased the calcium sensitivity and slowed the rate of calcium dissociation from the Troponin complex (Liu et al. 2012. PubMed ID: 22675533). Multiple missense variants in nearby residues (p.Ala161Asp, p.Arg162Gln, p.Arg162Pro, p.Arg162Trp, p.Ala163Gly, p.Lys164Glu, p.Lys164Thr, p.Leu167Pro, p.Arg170Gln, p.Ala171Asp, p.Ala171Thr) have been reported in individuals with HCM. Based on these observations, the c.497C>T variant is classified as likely pathogenic.

Institute of Human Genetics, University of Leipzig Medical Center
Classification: Likely pathogenic for Hypertrophic cardiomyopathy 7. Last evaluated: 2026-06-23. Review status: criteria provided, single submitter. Criteria: ACMG Guidelines, 2015. Collection method: clinical testing. Allele origin: unknown. Inheritance: Autosomal dominant inheritance. Affected: yes.
Comment: Criteria applied: PS4_MOD,PM1,PS3_SUP,PM2_SUP,PP3

Labcorp Genetics (formerly Invitae), Labcorp
Classification: Pathogenic for Hypertrophic cardiomyopathy. Last evaluated: 2026-01-14. Review status: criteria provided, single submitter. Criteria: Invitae Variant Classification Sherloc (09022015). Collection method: clinical testing. Allele origin: germline.
Comment: This sequence change replaces serine, which is neutral and polar, with phenylalanine, which is neutral and non-polar, at codon 166 of the TNNI3 protein (p.Ser166Phe). This variant is present in population databases (rs727504242, gnomAD 0.002%). This missense change has been observed in individuals with autosomal dominant hypertrophic cardiomyopathy (PMID: 21533915). ClinVar contains an entry for this variant (Variation ID: 177630). An algorithm developed to predict the effect of missense changes on protein structure and function (PolyPhen-2) suggests that this variant is likely to be disruptive. Experimental studies have shown that this missense change affects TNNI3 function (PMID: 22675533). For these reasons, this variant has been classified as Pathogenic.

GeneDx
Classification: Pathogenic. Last evaluated: 2025-11-14. Review status: criteria provided, single submitter. Criteria: GeneDx Variant Classification Process June 2021. Collection method: clinical testing. Allele origin: germline. Affected: yes.
Comment: Published functional studies demonstrated that p.(S166F) significantly increased the calcium sensitivity and slowed the rate of calcium dissociation from the Troponin complex, and may influence TnC-TnI interactions (PMID: 22675533); In silico analysis supports that this missense variant has a deleterious effect on protein structure/function; Not observed at significant frequency in large population cohorts (gnomAD); This variant is associated with the following publications: (PMID: 11121119, 24510615, 31737537, 22361390, 22675533, 15607392, 15519027, 12860912, 12974739, 21839045, 26526134, 19914256, 26914223, 27532257, 30847666, 31447099, 33662488, 36411388, 35626289, 35470684, 36264615, 21533915, 37652022, 39196031, 38757491, 34714385, 39486665)

Dasa
Classification: Pathogenic. Last evaluated: 2025-11-10. Review status: criteria provided, single submitter. Criteria: DASA Assertion Criteria. Collection method: clinical testing. Allele origin: germline.
Comment: NM_000363.5(TNNI3):c.497C>T (p.Ser166Phe) is a missense variant that results in the substitution of serine with phenylalanine. The affected residue or protein region has prior evidence supporting clinical relevance. Functional evidence supports a deleterious effect on the gene or gene product (PMID: 22675533; PMID: 21533915; PMID: 36411388). This variant has been recurrently observed in individuals with related phenotype (PMID: 22675533; PMID: 21533915; PMID: 36411388). Multiple computational predictions support a deleterious effect on the gene or gene product. The variant is present at low frequency in population datasets. Based on the available data, this variant is classified as pathogenic.

Ambry Genetics
Classification: Likely pathogenic for Cardiovascular phenotype. Last evaluated: 2025-10-08. Review status: criteria provided, single submitter. Criteria: Ambry Variant Classification Scheme 2023. Collection method: clinical testing. Allele origin: germline.
Comment: The c.497C>T (p.S166F) alteration is located in exon 7 (coding exon 7) of the TNNI3 gene. This alteration results from a C to T substitution at nucleotide position 497, causing the serine (S) at amino acid position 166 to be replaced by a phenylalanine (F). for autosomal dominant TNNI3-related cardiomyopathy; however, its clinical significance for autosomal recessive TNNI3-related dilated cardiomyopathy is uncertain. Based on data from gnomAD, the T allele has an overall frequency of 0.001% (2/249054) total alleles studied. The highest observed frequency was 0.002% (2/113184) of European (non-Finnish) alleles. This alteration has been reported in hypertrophic cardiomyopathy (HCM) cohorts and has been described as a Finnish founder mutation (Erdmann, 2003; Van Driest, 2004; Mogensen, 2004; van den Wijngaard, 2011; Maron, 2012). In some of the reported cases, the p.S166F alteration was seen in individuals who also had variants in other cardiac-related genes (Erdmann, 2003; Van Driest, 2004; Maron, 2012). This amino acid position is not well conserved in available vertebrate species. This alteration has been shown to have an impact on protein function (Liu, 2012). The in silico prediction for this alteration is inconclusive. Based on the available evidence, this alteration is classified as likely pathogenic.

Color Diagnostics, LLC DBA Color Health
Classification: Likely pathogenic for Cardiomyopathy. Last evaluated: 2025-07-14. Review status: criteria provided, single submitter. Criteria: ACMG Guidelines, 2015. Collection method: clinical testing. Allele origin: germline.
Comment: This missense variant replaces serine with phenylalanine at codon 166 of the TNNI3 protein. This variant is found within a highly conserved region of the C-terminal mobile domain (aa 164-210). Missense variants in this region have been shown to be significantly overrepresented in individuals with affected with hypertrophic cardiomyopathy (PMID: 30696458). Computational prediction suggests that this variant may have a deleterious impact on protein structure and function. An in-vitro functional study has shown that this variant causes an increase in calcium sensitivity as well as a decrease in the rate of calcium dissociation from the troponin complex (PMID: 22675533). This variant has been reported in more than ten individuals affected with hypertrophic cardiomyopathy (PMID: 12860912, 12974739, 15519027, 15607392 , 21533915, 21839045, 15519027, 27532257, 30847666, 31737537, 33662488, 35626289, 38757491). One of these individuals also carried a pathogenic variant in the MYBPC3 gene (PMID: 15519027, 21839045). This variant has also been reported in one individual affected with atrioventricular block (PMID: 35470684), in one infant affected with sudden death (PMID: 22361390), and in one individual affected with juvenile ischemic stroke (PMID: 36411388). This variant has been identified in 2/249054 chromosomes in the general population by the Genome Aggregation Database (gnomAD). Based on the available evidence, this variant is classified as Likely Pathogenic.

CeGaT Center for Human Genetics Tuebingen
Classification: Likely pathogenic. Last evaluated: 2025-05-01. Review status: criteria provided, single submitter. Criteria: CeGaT Center For Human Genetics Tuebingen Variant Classification Criteria Version 2. Collection method: clinical testing. Allele origin: germline. Affected: yes. Observed: 1 variant allele.
Comment: TNNI3: PS4, PM1, PM2, PS3:Supporting

Institute of Human Genetics Munich, TUM University Hospital
Classification: Likely pathogenic for Hypertrophic cardiomyopathy 7. Last evaluated: 2025-04-16. Review status: criteria provided, single submitter. Criteria: Classification criteria August 2017. Collection method: clinical testing. Allele origin: maternal. Inheritance: Autosomal dominant inheritance. Affected: yes. Observed: 1 variant allele.

NM_000363.5(TNNI3):c.497C>T (p.Ser166Phe)

Gene: TNNI3 (troponin I3, cardiac type; minus strand). Cytogenetic location: 19q13.42.
Variant type: single nucleotide variant.
Coding change: c.497C>T on transcript NM_000363.5 (MANE Select); coding-DNA position 497, C replaced by T.
Protein change: p.Ser166Phe; replaces serine 166 with phenylalanine.
Molecular consequence: missense variant.
Genome position (GRCh38, 1-based): chr19:55,154,082, G>A on the plus strand (C>T on the coding strand, the complement: TNNI3 is on the minus strand). VCF-style: chr19-55154082-G-A. GRCh37 (hg19) VCF-style: chr19-55665450-G-A.
Other names: p.S166F:TCC>TTC; short protein forms S166F.
Identifiers: ClinVar variation 177630 (VCV000177630.67), dbSNP rs727504242, ClinGen allele CA021763.